The following is an entry in ClinVar:

ClinVar aggregate classification (germline): Conflicting classifications of pathogenicity. Review status: criteria provided, conflicting classifications (1 of 4 stars). 15 submissions from 11 submitters: Uncertain significance (2); Benign (10); Likely benign (3). Last evaluated 2026-03-01.

Conditions:
Cardiovascular phenotype. Identifiers: MedGen CN230736.
Dilated cardiomyopathy 1G (CMD1G). Identifiers: Orphanet 154, MedGen C1858763, MONDO:0011400, OMIM 604145.
Autosomal recessive limb-girdle muscular dystrophy type 2J (LGMDR10). Also called: Limb-girdle muscular dystrophy, type 2J; MUSCULAR DYSTROPHY, LIMB-GIRDLE, AUTOSOMAL RECESSIVE 10. Identifiers: Orphanet 140922, MedGen C1837342, MONDO:0012127, OMIM 608807.
Cardiomyopathy (CMYO). Also called: Cardiomyopathies. Identifiers: Orphanet 167848, MedGen C0878544, MONDO:0004994, HP:0001638. Inheritance: Various modes of inheritance.
Tibial muscular dystrophy (TMD). Also called: UDD MYOPATHY; Tibial muscular dystrophy, tardive; Udd Distal Myopathy – Tibial Muscular Dystrophy. Identifiers: Orphanet 609, MedGen C1838244, MONDO:0010870, OMIM 600334.
Early-onset myopathy with fatal cardiomyopathy (CMYO5). Also called: CONGENITAL MYOPATHY 5 WITH CARDIOMYOPATHY; Salih Myopathy. Identifiers: Orphanet 289377, MedGen C2673677, MONDO:0012714, OMIM 611705. Disease mechanism: loss of function.
Myopathy, myofibrillar, 9, with early respiratory failure (MFM9). Also called: Hereditary myopathy with early respiratory failure; MYOPATHY, PROXIMAL, WITH EARLY RESPIRATORY MUSCLE INVOLVEMENT; EDSTROM MYOPATHY; Myopathy, distal, with early respiratory failure, autosomal dominant. Identifiers: Orphanet 178464, Orphanet 34521, MedGen C1863599, MONDO:0011362, OMIM 603689.

Allele frequency attached by ClinVar (database versions not stated): gnomAD below 0.00001 and 0.00038; TOPMed 0.00008; 1000 Genomes Project 30x 0.00172; 1000 Genomes Project 0.00220.
gnomAD v4.1: 1,157 of 1,612,910 alleles (0.072%); highest among the groups gnomAD compares: South Asian, 1.2%; 12 homozygotes.

Submissions (15):

CeGaT Center for Human Genetics Tuebingen
Classification: Likely benign. Last evaluated: 2026-03-01. Review status: criteria provided, single submitter. Criteria: CeGaT Center For Human Genetics Tuebingen Variant Classification Criteria Version 2. Collection method: clinical testing. Allele origin: germline. Affected: yes. Observed: 2 variant alleles.
Comment: TTN: BS1

Labcorp Genetics (formerly Invitae), Labcorp
Classification: Benign for Dilated cardiomyopathy 1G; Autosomal recessive limb-girdle muscular dystrophy type 2J. Last evaluated: 2026-01-21. Review status: criteria provided, single submitter. Criteria: Invitae Variant Classification Sherloc (09022015). Collection method: clinical testing. Allele origin: germline.

Blueprint Genetics
Classification: Likely benign. Last evaluated: 2024-11-26. Review status: criteria provided, single submitter. Criteria: ACMG Guidelines, 2015. Collection method: clinical testing. Allele origin: germline.

Women's Health and Genetics/Laboratory Corporation of America, LabCorp
Classification: Likely benign. Last evaluated: 2024-11-26. Review status: criteria provided, single submitter. Criteria: LabCorp Variant Classification Summary - May 2015. Collection method: clinical testing. Allele origin: germline.

CHEO Genetics Diagnostic Laboratory, Children's Hospital of Eastern Ontario
Classification: Benign for Cardiomyopathy. Last evaluated: 2022-11-25. Review status: criteria provided, single submitter. Criteria: ACMG Guidelines, 2015. Collection method: clinical testing. Allele origin: germline.

Laboratory for Molecular Medicine, Mass General Brigham Personalized Medicine
Classification: Benign. Last evaluated: 2020-09-22. Review status: criteria provided, single submitter. Criteria: ACMG Guidelines, 2015. Collection method: clinical testing. Allele origin: germline.
Comment: The p.Asp6431Tyr variant in TTN is classified as benign because it has been identified in 1.0% (340/30592) of South Asian chromosomes, including 3 homozygotes, by gnomAD. ACMG/AMP Criteria applied: BA1.

Illumina Laboratory Services, Illumina
Classification: Benign for Early-onset myopathy with fatal cardiomyopathy. Last evaluated: 2018-01-22. Review status: criteria provided, single submitter. Criteria: ICSL Variant Classification Criteria 13 December 2019. Collection method: clinical testing. Allele origin: germline.
Comment: This variant was observed in the ICSL laboratory as part of a predisposition screen in an ostensibly healthy population. It had not been previously curated by ICSL or reported in the Human Gene Mutation Database (HGMD: prior to June 1st, 2018), and was therefore a candidate for classification through an automated scoring system. Utilizing variant allele frequency, disease prevalence and penetrance estimates, and inheritance mode, an automated score was calculated to assess if this variant is too frequent to cause the disease. Based on the score and internal cut-off values, a variant classified as benign is not then subjected to further curation. The score for this variant resulted in a classification of benign for this disease.

Illumina Laboratory Services, Illumina
Classification: Benign for Dilated cardiomyopathy 1G. Last evaluated: 2018-01-22. Review status: criteria provided, single submitter. Criteria: ICSL Variant Classification Criteria 13 December 2019. Collection method: clinical testing. Allele origin: germline.
Comment: the same text as in the submission from Illumina Laboratory Services, Illumina above.

Illumina Laboratory Services, Illumina
Classification: Benign for Tibial muscular dystrophy. Last evaluated: 2018-01-22. Review status: criteria provided, single submitter. Criteria: ICSL Variant Classification Criteria 13 December 2019. Collection method: clinical testing. Allele origin: germline.
Comment: the same text as in the submission from Illumina Laboratory Services, Illumina above.

Illumina Laboratory Services, Illumina
Classification: Uncertain significance for Autosomal recessive limb-girdle muscular dystrophy type 2J. Last evaluated: 2018-01-22. Review status: criteria provided, single submitter. Criteria: ICSL Variant Classification Criteria 13 December 2019. Collection method: clinical testing. Allele origin: germline.

Illumina Laboratory Services, Illumina
Classification: Benign for Myopathy, myofibrillar, 9, with early respiratory failure. Last evaluated: 2018-01-22. Review status: criteria provided, single submitter. Criteria: ICSL Variant Classification Criteria 13 December 2019. Collection method: clinical testing. Allele origin: germline.
Comment: the same text as in the submission from Illumina Laboratory Services, Illumina above.

Athena Diagnostics
Classification: Benign. Last evaluated: 2017-11-30. Review status: criteria provided, single submitter. Criteria: Athena Diagnostics Criteria. Collection method: clinical testing. Allele origin: germline.

GeneDx
Classification: Benign. Last evaluated: 2016-07-19. Review status: criteria provided, single submitter. Criteria: GeneDx Variant Classification (06012015). Collection method: clinical testing. Allele origin: germline. Affected: yes.
Comment: This variant is considered likely benign or benign based on one or more of the following criteria: it is a conservative change, it occurs at a poorly conserved position in the protein, it is predicted to be benign by multiple in silico algorithms, and/or has population frequency not consistent with disease.

Eurofins Ntd Llc (ga)
Classification: Benign. Last evaluated: 2015-09-03. Review status: criteria provided, single submitter. Criteria: EGL Classification Definitions 2015. Collection method: clinical testing. Allele origin: germline. Observed: 1 variant allele, 1 heterozygote.

Ambry Genetics
Classification: Uncertain significance for Cardiovascular phenotype. Last evaluated: 2013-03-06. Review status: criteria provided, single submitter. Criteria: Ambry Autosomal Dominant and X-Linked criteria (10/2015). Collection method: clinical testing. Allele origin: germline. Observed: 1 variant allele.
Comment: There is insufficient or conflicting evidence for classification of this alteration.

NM_001267550.2(TTN):c.23023G>T (p.Asp7675Tyr)

Gene: TTN (titin; minus strand). Cytogenetic location: 2q31.2.
Variant type: single nucleotide variant.
Coding change: c.23023G>T on transcript NM_001267550.2 (MANE Select); coding-DNA position 23023, G replaced by T.
Protein change: p.Asp7675Tyr; replaces aspartic acid 7675 with tyrosine.
Molecular consequence: missense variant. On other transcripts: intron variant (3).
Genome position (GRCh38, 1-based): chr2:178,720,996, C>A on the plus strand (G>T on the coding strand, the complement: TTN is on the minus strand). VCF-style: chr2-178720996-C-A. GRCh37 (hg19) VCF-style: chr2-179585723-C-A.
Other names: p.D7358Y:GAC>TAC; c.22072G>T, p.Asp7358Tyr (NM_001256850.1); c.19291G>T, p.Asp6431Tyr (NM_133378.4); c.13282+17086G>T (NM_003319.4); c.13858+17086G>T (NM_133437.4); c.13657+17086G>T (NM_133432.3); short protein forms D6431Y, D7675Y, D7358Y.
Identifiers: ClinVar variation 179419 (VCV000179419.48), dbSNP rs552951988, ClinGen allele CA184389.